The following is an entry in ClinVar:

NM_001267550.2(TTN):c.24756T>G (p.Asp8252Glu)

Gene: TTN (titin; minus strand). Cytogenetic location: 2q31.2.
Variant type: single nucleotide variant.
Coding change: c.24756T>G on transcript NM_001267550.2 (MANE Select); coding-DNA position 24756, T replaced by G.
Protein change: p.Asp8252Glu; replaces aspartic acid 8252 with glutamic acid.
Molecular consequence: missense variant. On other transcripts: intron variant (3).
Genome position (GRCh38, 1-based): chr2:178,718,350, A>C on the plus strand (T>G on the coding strand, the complement: TTN is on the minus strand). VCF-style: chr2-178718350-A-C. GRCh37 (hg19) VCF-style: chr2-179583077-A-C.
Other names: c.23805T>G, p.Asp7935Glu (NM_001256850.1); c.21024T>G, p.Asp7008Glu (NM_133378.4); c.13282+19732T>G (NM_003319.4); c.13858+19732T>G (NM_133437.4); c.13657+19732T>G (NM_133432.3); short protein forms D8252E, D7935E, D7008E.
Identifiers: ClinVar variation 413123 (VCV000413123.21), dbSNP rs764248656, ClinGen allele CA2000366.
Genomic context (GRCh38, chr2:178,718,350, plus strand): 5'-AGAGCAATAAAAAGAGGTAGCTGTCAACACACCTAAGACAGACACCAGAGCTTCACAGAT[A>C]TCTTGACCAGCCTCATTTTCTATCAGGCAGCTGTACTGTGCATAATCCTCTATTGTGCTC-3'
Protein context (NP_001254479.2, residues 8242-8262): SCLIENEAGQ[Asp8252Glu]ICEALVSVLE

ClinVar aggregate classification (germline): Conflicting classifications of pathogenicity. Review status: criteria provided, conflicting classifications (1 of 4 stars). 10 submissions from 6 submitters: Uncertain significance (3); Benign (2); Likely benign (5). Last evaluated 2026-03-27.

Conditions:
TTN-related disorder. Also called: TTN-related disorders; TTN-related condition; TTN-related disease.
Autosomal recessive limb-girdle muscular dystrophy type 2J (LGMDR10). Also called: Limb-girdle muscular dystrophy, type 2J; MUSCULAR DYSTROPHY, LIMB-GIRDLE, AUTOSOMAL RECESSIVE 10. Identifiers: Orphanet 140922, MedGen C1837342, MONDO:0012127, OMIM 608807.
Dilated cardiomyopathy 1G (CMD1G). Identifiers: Orphanet 154, MedGen C1858763, MONDO:0011400, OMIM 604145.
Early-onset myopathy with fatal cardiomyopathy (CMYO5). Also called: Salih Myopathy; CONGENITAL MYOPATHY 5 WITH CARDIOMYOPATHY. Identifiers: Orphanet 289377, MedGen C2673677, MONDO:0012714, OMIM 611705. Disease mechanism: loss of function.
Myopathy, myofibrillar, 9, with early respiratory failure (MFM9). Also called: EDSTROM MYOPATHY; Hereditary myopathy with early respiratory failure; Myopathy, distal, with early respiratory failure, autosomal dominant; MYOPATHY, PROXIMAL, WITH EARLY RESPIRATORY MUSCLE INVOLVEMENT. Identifiers: Orphanet 178464, Orphanet 34521, MedGen C1863599, MONDO:0011362, OMIM 603689.
Tibial muscular dystrophy (TMD). Also called: UDD MYOPATHY; Udd Distal Myopathy – Tibial Muscular Dystrophy; Tibial muscular dystrophy, tardive. Identifiers: Orphanet 609, MedGen C1838244, MONDO:0010870, OMIM 600334.

Allele frequency attached by ClinVar (database versions not stated): gnomAD 0.00006 and 0.00007; TOPMed 0.00013.
gnomAD v4.1: 68 of 1,613,702 alleles (0.0042%); highest among the groups gnomAD compares: East Asian, 0.12%; no homozygotes.

Submissions (10):

Molecular Diagnostic Laboratory for Inherited Cardiovascular Disease, Montreal Heart Institute
Classification: Likely benign. Last evaluated: 2026-03-27. Review status: criteria provided, single submitter. Criteria: ACMG Guidelines, 2015. Collection method: clinical testing. Allele origin: germline. Affected: no.
Comment: BS1;BP1

Labcorp Genetics (formerly Invitae), Labcorp
Classification: Likely benign for Dilated cardiomyopathy 1G; Autosomal recessive limb-girdle muscular dystrophy type 2J. Last evaluated: 2026-02-01. Review status: criteria provided, single submitter. Criteria: Invitae Variant Classification Sherloc (09022015). Collection method: clinical testing. Allele origin: germline.

PreventionGenetics, part of Exact Sciences
Classification: Likely benign for TTN-related condition. Last evaluated: 2025-09-26. Review status: criteria provided, single submitter. Criteria: ACMG Guidelines, 2015. Collection method: clinical testing. Allele origin: germline.
Comment: This variant is classified as likely benign based on ACMG/AMP sequence variant interpretation guidelines (Richards et al. 2015 PMID: 25741868, with internal and published modifications).

Revvity Omics, Revvity
Classification: Likely benign. Last evaluated: 2023-05-01. Review status: criteria provided, single submitter. Criteria: ACMG Guidelines, 2015. Collection method: clinical testing. Allele origin: germline.

GeneDx
Classification: Likely benign. Last evaluated: 2019-01-11. Review status: criteria provided, single submitter. Criteria: GeneDx Variant Classification Process June 2021. Collection method: clinical testing. Allele origin: germline. Affected: yes.

Illumina Laboratory Services, Illumina
Classification: Uncertain significance for Dilated cardiomyopathy 1G. Last evaluated: 2018-01-12. Review status: criteria provided, single submitter. Criteria: ICSL Variant Classification Criteria 13 December 2019. Collection method: clinical testing. Allele origin: germline.

Illumina Laboratory Services, Illumina
Classification: Uncertain significance for Autosomal recessive limb-girdle muscular dystrophy type 2J. Last evaluated: 2018-01-12. Review status: criteria provided, single submitter. Criteria: ICSL Variant Classification Criteria 13 December 2019. Collection method: clinical testing. Allele origin: germline.

Illumina Laboratory Services, Illumina
Classification: Benign for Myopathy, myofibrillar, 9, with early respiratory failure. Last evaluated: 2018-01-12. Review status: criteria provided, single submitter. Criteria: ICSL Variant Classification Criteria 13 December 2019. Collection method: clinical testing. Allele origin: germline.
Comment: This variant was observed in the ICSL laboratory as part of a predisposition screen in an ostensibly healthy population. It had not been previously curated by ICSL or reported in the Human Gene Mutation Database (HGMD: prior to June 1st, 2018), and was therefore a candidate for classification through an automated scoring system. Utilizing variant allele frequency, disease prevalence and penetrance estimates, and inheritance mode, an automated score was calculated to assess if this variant is too frequent to cause the disease. Based on the score and internal cut-off values, a variant classified as benign is not then subjected to further curation. The score for this variant resulted in a classification of benign for this disease.

Illumina Laboratory Services, Illumina
Classification: Benign for Tibial muscular dystrophy. Last evaluated: 2018-01-12. Review status: criteria provided, single submitter. Criteria: ICSL Variant Classification Criteria 13 December 2019. Collection method: clinical testing. Allele origin: germline.
Comment: the same text as in the submission from Illumina Laboratory Services, Illumina above.

Illumina Laboratory Services, Illumina
Classification: Uncertain significance for Early-onset myopathy with fatal cardiomyopathy. Last evaluated: 2018-01-12. Review status: criteria provided, single submitter. Criteria: ICSL Variant Classification Criteria 13 December 2019. Collection method: clinical testing. Allele origin: germline.